The following is an entry in ClinVar:

NM_001097577.3(ANG):c.330T>G (p.Gly110=)

Genes: ANG (angiogenin; plus strand), EGILA (EGFR interacting lncRNA; minus strand), RNASE4 (ribonuclease A family member 4; plus strand). Cytogenetic location: 14q11.2.
Variant type: single nucleotide variant.
Coding change: c.330T>G on transcript NM_001097577.3 (MANE Select); coding-DNA position 330, T replaced by G.
Protein change: p.Gly110=; no amino-acid change (glycine 110 retained).
Molecular consequence: synonymous variant. On other transcripts: intron variant (4).
Genome position (GRCh38, 1-based): chr14:20,693,894, T>G. VCF-style: chr14-20693894-T-G. GRCh37 (hg19) VCF-style: chr14-21162053-T-G.
Other names: p.Gly110=; c.330T>G, p.Gly110= (NM_001145.4, NM_001385271.1, NM_001385272.1 and 2 more transcripts); c.-18+244T>G (NM_001282192.2); c.-17-5461T>G (NM_002937.5, NM_001282193.2); c.-18+5020T>G (NM_194431.3).
Identifiers: ClinVar variation 257559 (VCV000257559.25), dbSNP rs11701, ClinGen allele CA7083172.

ClinVar aggregate classification (germline): Benign/Likely benign. Review status: criteria provided, multiple submitters, no conflicts (2 of 4 stars). 11 submissions from 11 submitters: Benign (6); Likely benign (1). 4 of the submissions do not count toward it. Last evaluated 2026-02-04.

Conditions:
Inborn genetic diseases. Identifiers: MedGen C0950123, MeSH D030342.
Amyotrophic lateral sclerosis type 9 (ALS9). Identifiers: Orphanet 803, MedGen C2678468, MONDO:0012753, OMIM 611895.

Allele frequency attached by ClinVar (database versions not stated): 1000 Genomes Project 30x 0.11649; gnomAD 0.13167 and 0.13321; 1000 Genomes Project 0.11482; ESP Exome Variant Server 0.13163; TOPMed 0.12715.
gnomAD v4.1: 210,939 of 1,614,020 alleles (13%); highest among the groups gnomAD compares: Middle Eastern, 21%; 14,674 homozygotes.

Submissions (11):

Labcorp Genetics (formerly Invitae), Labcorp
Classification: Benign. Last evaluated: 2026-02-04. Review status: criteria provided, single submitter. Criteria: Invitae Variant Classification Sherloc (09022015). Collection method: clinical testing. Allele origin: germline.

Ambry Genetics
Classification: Likely benign for Inborn genetic diseases. Last evaluated: 2022-05-19. Review status: criteria provided, single submitter. Criteria: Ambry Variant Classification Scheme 2023. Collection method: clinical testing. Allele origin: germline.

GeneDx
Classification: Benign. Last evaluated: 2018-08-17. Review status: criteria provided, single submitter. Criteria: GeneDx Variant Classification Process June 2021. Collection method: clinical testing. Allele origin: germline. Affected: yes.
Comment: This variant is associated with the following publications: (PMID: 15557516, 17462671)

Illumina Laboratory Services, Illumina
Classification: Benign for Amyotrophic lateral sclerosis type 9. Last evaluated: 2018-03-06. Review status: criteria provided, single submitter. Criteria: ICSL Variant Classification Criteria 13 December 2019. Collection method: clinical testing. Allele origin: germline.
Comment: This variant was observed in the ICSL laboratory as part of a predisposition screen in an ostensibly healthy population. It had not been previously curated by ICSL or reported in the Human Gene Mutation Database (HGMD: prior to June 1st, 2018), and was therefore a candidate for classification through an automated scoring system. Utilizing variant allele frequency, disease prevalence and penetrance estimates, and inheritance mode, an automated score was calculated to assess if this variant is too frequent to cause the disease. Based on the score and internal cut-off values, a variant classified as benign is not then subjected to further curation. The score for this variant resulted in a classification of benign for this disease.

Mayo Clinic Laboratories, Mayo Clinic
Classification: Benign. Last evaluated: 2017-07-24. Review status: criteria provided, single submitter. Criteria: ACMG Guidelines, 2015. Collection method: clinical testing. Allele origin: germline. Observed: 371 variant alleles.

Breakthrough Genomics
Classification: Benign. Review status: criteria provided, single submitter. Criteria: ACMG Guidelines, 2015. Collection method: not provided. Allele origin: germline. Inheritance: Unknown mechanism. Affected: yes.

PreventionGenetics, part of Exact Sciences
Classification: Benign. Review status: criteria provided, single submitter. Criteria: ACMG Guidelines, 2015. Collection method: clinical testing. Allele origin: germline.

Clinical Genetics DNA and cytogenetics Diagnostics Lab, Erasmus MC, Erasmus Medical Center
Classification: Benign. Review status: no assertion criteria provided. Collection method: clinical testing. Allele origin: germline. Affected: yes. Study: VKGL Data-share Consensus. Not counted in ClinVar's aggregate classification.

Clinical Genetics, Academic Medical Center
Classification: Benign. Review status: no assertion criteria provided. Collection method: clinical testing. Allele origin: germline. Affected: yes. Study: VKGL Data-share Consensus. Not counted in ClinVar's aggregate classification.

Genome Diagnostics Laboratory, Amsterdam University Medical Center
Classification: Benign. Review status: no assertion criteria provided. Collection method: clinical testing. Allele origin: germline. Affected: yes. Study: VKGL Data-share Consensus. Not counted in ClinVar's aggregate classification.

Genome Diagnostics Laboratory, University Medical Center Utrecht
Classification: Benign. Review status: no assertion criteria provided. Collection method: clinical testing. Allele origin: germline. Affected: yes. Study: VKGL Data-share Consensus. Not counted in ClinVar's aggregate classification.